The following is an entry in ClinVar:

ClinVar aggregate classification (germline): Uncertain significance (1 of 4 stars; one submission).

Conditions:
Primary ciliary dyskinesia. Also called: Ciliary dyskinesia. Identifiers: Orphanet 244, MedGen C0008780, MONDO:0016575, HP:0012265.

Submission:

Labcorp Genetics (formerly Invitae), Labcorp
Classification: Uncertain significance for Primary ciliary dyskinesia. Last evaluated: 2021-07-03. Review status: criteria provided, single submitter. Criteria: Invitae Variant Classification Sherloc (09022015). Collection method: clinical testing. Allele origin: germline.
Comment: In summary, the available evidence is currently insufficient to determine the role of this variant in disease. Therefore, it has been classified as a Variant of Uncertain Significance. Algorithms developed to predict the effect of missense changes on protein structure and function output the following: SIFT: "Tolerated"; PolyPhen-2: "Benign"; Align-GVGD: "Class C0". The alanine amino acid residue is found in multiple mammalian species, which suggests that this missense change does not adversely affect protein function. This variant has not been reported in the literature in individuals affected with CCDC114-related conditions. This variant is not present in population databases (ExAC no frequency). This sequence change replaces glycine with alanine at codon 3 of the CCDC114 protein (p.Gly3Ala). The glycine residue is weakly conserved and there is a small physicochemical difference between glycine and alanine.

NM_001364171.2(ODAD1):c.119G>C (p.Gly40Ala)

Gene: ODAD1 (outer dynein arm docking complex subunit 1; minus strand). Cytogenetic location: 19q13.33.
Variant type: single nucleotide variant.
Coding change: c.119G>C on transcript NM_001364171.2 (MANE Select); coding-DNA position 119, G replaced by C.
Protein change: p.Gly40Ala; replaces glycine 40 with alanine.
Molecular consequence: missense variant.
Genome position (GRCh38, 1-based): chr19:48,318,764, C>G on the plus strand (G>C on the coding strand, the complement: ODAD1 is on the minus strand). VCF-style: chr19-48318764-C-G. GRCh37 (hg19) VCF-style: chr19-48822021-C-G.
Other names: c.8G>C, p.Gly3Ala (NM_144577.4); short protein forms G3A, G40A.
Identifiers: ClinVar variation 1682904 (VCV001682904.7), dbSNP rs2147337064, ClinGen allele CA406666573.